The following is an entry in ClinVar:

ClinVar aggregate classification (germline): Uncertain significance (1 of 4 stars; one submission).

Submission:

Labcorp Genetics (formerly Invitae), Labcorp
Classification: Uncertain significance. Last evaluated: 2025-04-19. Review status: criteria provided, single submitter. Criteria: Invitae Variant Classification Sherloc (09022015). Collection method: clinical testing. Allele origin: germline.
Comment: This sequence change replaces valine, which is neutral and non-polar, with isoleucine, which is neutral and non-polar, at codon 520 of the KIDINS220 protein (p.Val520Ile). This variant is not present in population databases (gnomAD no frequency). This variant has not been reported in the literature in individuals affected with KIDINS220-related conditions. An algorithm developed to predict the effect of missense changes on protein structure and function outputs the following: PolyPhen-2: "Benign". The isoleucine amino acid residue is found in multiple mammalian species, which suggests that this missense change does not adversely affect protein function. In summary, the available evidence is currently insufficient to determine the role of this variant in disease. Therefore, it has been classified as a Variant of Uncertain Significance.

NM_020738.4(KIDINS220):c.1558G>A (p.Val520Ile)

Gene: KIDINS220 (kinase D interacting substrate 220; minus strand). Cytogenetic location: 2p25.1.
Variant type: single nucleotide variant.
Coding change: c.1558G>A on transcript NM_020738.4 (MANE Select); coding-DNA position 1558, G replaced by A.
Protein change: p.Val520Ile; replaces valine 520 with isoleucine.
Molecular consequence: missense variant. On other transcripts: non-coding transcript variant (2).
Genome position (GRCh38, 1-based): chr2:8,789,943, C>T on the plus strand (G>A on the coding strand, the complement: KIDINS220 is on the minus strand). VCF-style: chr2-8789943-C-T. GRCh37 (hg19) VCF-style: chr2-8930073-C-T.
Other names: c.1561G>A, p.Val521Ile (NM_001348729.2, NM_001348731.2, NM_001348734.2 and 3 more transcripts); c.1558G>A, p.Val520Ile (NM_001348732.2, NM_001348735.2, NM_001348738.2 and 3 more transcripts); c.1432G>A, p.Val478Ile (NM_001348736.2); short protein forms V520I, V478I, V521I.
Identifiers: ClinVar variation 4777318 (VCV004777318.1).